The following is an entry in ClinVar:

NM_006576.4(AVIL):c.1818-6T>C

Gene: AVIL (advillin; minus strand). Cytogenetic location: 12q14.1.
Variant type: single nucleotide variant.
Coding change: c.1818-6T>C on transcript NM_006576.4 (MANE Select); 6 bases into the intron before coding-DNA position 1818, T replaced by C.
Molecular consequence: intron variant.
Genome position (GRCh38, 1-based): chr12:57,803,397, A>G on the plus strand (T>C on the coding strand, the complement: AVIL is on the minus strand). VCF-style: chr12-57803397-A-G. GRCh37 (hg19) VCF-style: chr12-58197180-A-G.
Identifiers: ClinVar variation 3036838 (VCV003036838.2), dbSNP rs189660976, ClinGen allele CA6659681.
Genomic context (GRCh38, chr12:57,803,397, plus strand): 5'-CTTATTGGAACATTCAAAGAGACGAGACTGGACATCTAGGATTTCCTGCTGAAGTCTGCA[A>G]TATAGTCCATTTAAGGGCATCAAGCTGCTTAGAAATGTTTTTAAAACTGAGGTTTTAGCC-3'

ClinVar aggregate classification (germline): Likely benign (0 of 4 stars; one submission).

Conditions:
AVIL-related disorder. Also called: AVIL-related condition.

Allele frequency attached by ClinVar (database versions not stated): gnomAD 0.00005; gnomAD exomes 0.00006; TOPMed 0.00007; ESP Exome Variant Server 0.00008; ExAC 0.00010; 1000 Genomes Project 30x 0.00016; 1000 Genomes Project 0.00020.
gnomAD v4.1: 94 of 1,614,212 alleles (0.0058%); highest among the groups gnomAD compares: Admixed American, 0.027%; no homozygotes.

Submission:

PreventionGenetics, part of Exact Sciences
Classification: Likely benign for AVIL-related condition. Last evaluated: 2024-02-08. Review status: no assertion criteria provided. Collection method: clinical testing. Allele origin: germline.
Comment: This variant is classified as likely benign based on ACMG/AMP sequence variant interpretation guidelines (Richards et al. 2015 PMID: 25741868, with internal and published modifications).